The following is an entry in ClinVar:

ClinVar aggregate classification (germline): Uncertain significance (1 of 4 stars; one submission).

Conditions:
Combined immunodeficiency due to OX40 deficiency. Also called: Immunodeficiency 16; OX40 DEFICIENCY. Identifiers: Orphanet 431149, MedGen C3810053, MONDO:0014268, OMIM 615593.

Allele frequency attached by ClinVar (database versions not stated): gnomAD 0.00001; gnomAD exomes 0.00001; TOPMed 0.00001.
gnomAD v4.1: 15 of 1,554,818 alleles (0.00096%); highest among the groups gnomAD compares: Non-Finnish European, 0.0012%; no homozygotes.

Submission:

Labcorp Genetics (formerly Invitae), Labcorp
Classification: Uncertain significance for Combined immunodeficiency due to OX40 deficiency. Last evaluated: 2022-05-12. Review status: criteria provided, single submitter. Criteria: Invitae Variant Classification Sherloc (09022015). Collection method: clinical testing. Allele origin: germline.
Comment: This sequence change replaces leucine, which is neutral and non-polar, with valine, which is neutral and non-polar, at codon 223 of the TNFRSF4 protein (p.Leu223Val). This variant is not present in population databases (gnomAD no frequency). In summary, the available evidence is currently insufficient to determine the role of this variant in disease. Therefore, it has been classified as a Variant of Uncertain Significance. Algorithms developed to predict the effect of missense changes on protein structure and function output the following: SIFT: "Deleterious"; PolyPhen-2: "Possibly Damaging"; Align-GVGD: "Class C0". The valine amino acid residue is found in multiple mammalian species, which suggests that this missense change does not adversely affect protein function. This variant has not been reported in the literature in individuals affected with TNFRSF4-related conditions.

NM_003327.4(TNFRSF4):c.667C>G (p.Leu223Val)

Gene: TNFRSF4 (TNF receptor superfamily member 4; minus strand). Cytogenetic location: 1p36.33.
Variant type: single nucleotide variant.
Coding change: c.667C>G on transcript NM_003327.4 (MANE Select); coding-DNA position 667, C replaced by G.
Protein change: p.Leu223Val; replaces leucine 223 with valine.
Molecular consequence: missense variant.
Genome position (GRCh38, 1-based): chr1:1,211,800, G>C on the plus strand (C>G on the coding strand, the complement: TNFRSF4 is on the minus strand). VCF-style: chr1-1211800-G-C. GRCh37 (hg19) VCF-style: chr1-1147180-G-C.
Other names: short protein forms L223V.
Identifiers: ClinVar variation 1449128 (VCV001449128.8), dbSNP rs767154582, ClinGen allele CA512373.